The following is an entry in ClinVar:

NM_001242957.3(MAK):c.368A>T (p.His123Leu)

Gene: MAK (male germ cell associated kinase; minus strand). Cytogenetic location: 6p24.2.
Variant type: single nucleotide variant.
Coding change: c.368A>T on transcript NM_001242957.3 (MANE Select); coding-DNA position 368, A replaced by T.
Protein change: p.His123Leu; replaces histidine 123 with leucine.
Molecular consequence: missense variant. On other transcripts: non-coding transcript variant (2).
Genome position (GRCh38, 1-based): chr6:10,808,933, T>A on the plus strand (A>T on the coding strand, the complement: MAK is on the minus strand). VCF-style: chr6-10808933-T-A. GRCh37 (hg19) VCF-style: chr6-10809166-T-A.
Other names: c.368A>T, p.His123Leu (NM_001242385.2, NM_005906.6); c.266A>T, p.His89Leu (NM_001377262.1); short protein forms H123L, H89L.
Identifiers: ClinVar variation 1349545 (VCV001349545.5), dbSNP rs1776708773, ClinGen allele CA362721001.
Genomic context (GRCh38, chr6:10,808,933, plus strand): 5'-TCAGCAATTTTCACAAGCTCTGGACCCATACAAAGCAAGTTTTCTGGTTTCATGTCCCTA[T>A]GAAAAAAGCCTTGATGATATACGGAGAAAAAAAAATACAGTAAATCATTACGTTTAAACA-3'
Protein context (NP_001229886.1, residues 113-133): LAFIHKHGFF[His123Leu]RDMKPENLLC

ClinVar aggregate classification (germline): Uncertain significance. Review status: criteria provided, multiple submitters, no conflicts (2 of 4 stars). 3 submissions from 3 submitters: Uncertain significance (3). Last evaluated 2023-10-01.

Conditions:
Retinal dystrophy. Also called: Inherited retinal dystrophy. Identifiers: Orphanet 71862, MedGen C0854723, MeSH D058499, MONDO:0019118, HP:0000556.

gnomAD v4.1: 5 of 1,613,300 alleles (0.00031%); highest among the groups gnomAD compares: East Asian, 0.0067%; no homozygotes.

Submissions (3):

Dept Of Ophthalmology, Nagoya University
Classification: Uncertain significance for Retinal dystrophy. Last evaluated: 2023-10-01. Review status: criteria provided, single submitter. Criteria: Submitter's publication. Collection method: research. Allele origin: germline. Affected: yes.

Labcorp Genetics (formerly Invitae), Labcorp
Classification: Uncertain significance. Last evaluated: 2022-06-21. Review status: criteria provided, single submitter. Criteria: Invitae Variant Classification Sherloc (09022015). Collection method: clinical testing. Allele origin: germline.
Comment: This sequence change replaces histidine, which is basic and polar, with leucine, which is neutral and non-polar, at codon 123 of the MAK protein (p.His123Leu). This variant is not present in population databases (gnomAD no frequency). This variant has not been reported in the literature in individuals affected with MAK-related conditions. Advanced modeling of protein sequence and biophysical properties (such as structural, functional, and spatial information, amino acid conservation, physicochemical variation, residue mobility, and thermodynamic stability) performed at Invitae indicates that this missense variant is expected to disrupt MAK protein function. In summary, the available evidence is currently insufficient to determine the role of this variant in disease. Therefore, it has been classified as a Variant of Uncertain Significance.

Blueprint Genetics
Classification: Uncertain significance. Last evaluated: 2019-11-19. Review status: criteria provided, single submitter. Criteria: ACMG Guidelines, 2015. Collection method: clinical testing. Allele origin: germline.